The following is an entry in ClinVar:

NM_172107.4(KCNQ2):c.644G>T (p.Gly215Val)

Gene: KCNQ2 (potassium voltage-gated channel subfamily Q member 2; minus strand). Cytogenetic location: 20q13.33.
Variant type: single nucleotide variant.
Coding change: c.644G>T on transcript NM_172107.4 (MANE Select); coding-DNA position 644, G replaced by T.
Protein change: p.Gly215Val; replaces glycine 215 with valine.
Molecular consequence: missense variant.
Genome position (GRCh38, 1-based): chr20:63,444,705, C>A on the plus strand (G>T on the coding strand, the complement: KCNQ2 is on the minus strand). VCF-style: chr20-63444705-C-A. GRCh37 (hg19) VCF-style: chr20-62076058-C-A.
Other names: c.644G>T, p.Gly215Val (NM_001382235.1, NM_001439003.1, NM_001439004.1 and 4 more transcripts); short protein forms G215V.
Identifiers: ClinVar variation 4292951 (VCV004292951.1).

ClinVar aggregate classification (germline): Likely pathogenic (1 of 4 stars; one submission).

Conditions:
Developmental and epileptic encephalopathy, 7 (DEE7). Also called: KCNQ2-Related Neonatal Epileptic Encephalopathy; Early infantile epileptic encephalopathy 7; KCNQ2-Related Neonatal-Onset Developmental and Epileptic Encephalopathy (NEO-DEE). Identifiers: Orphanet 439218, MedGen C3150986, MONDO:0013387, OMIM 613720.

Submission:

3billion
Classification: Likely pathogenic for Developmental and epileptic encephalopathy, 7. Last evaluated: 2025-02-13. Review status: criteria provided, single submitter. Criteria: ACMG Guidelines, 2015. Collection method: clinical testing. Allele origin: germline. Affected: yes.
Comment: The variant is not observed in the gnomAD v4.1.0 dataset. Predicted Consequence/Location: The variant is located in a mutational hot spot and/or well-established functional domain in which established pathogenic variants have been reported. In silico tool predictions suggest damaging effect of the variant on gene or gene product [REVEL: 0.85 (>=0.6, sensitivity 0.68 and specificity 0.92); 3Cnet: 0.99 (>=0.6, sensitivity 0.72 and precision 0.9)]. A different missense change at the same codon (p.Gly215Arg) has been reported to be associated with KCNQ2-related disorder (PMID: 25566516). Therefore, this variant is classified as Likely pathogenic according to the recommendation of ACMG/AMP guideline.

Literature cited by the submitters: PubMed 25566516.